The following is an entry in ClinVar:

NM_022829.6(SLC13A3):c.292A>T (p.Ile98Phe)

Gene: SLC13A3 (solute carrier family 13 member 3; minus strand). Cytogenetic location: 20q13.12.
Variant type: single nucleotide variant.
Coding change: c.292A>T on transcript NM_022829.6 (MANE Select); coding-DNA position 292, A replaced by T.
Protein change: p.Ile98Phe; replaces isoleucine 98 with phenylalanine.
Molecular consequence: missense variant. On other transcripts: 5 prime UTR variant (1).
Genome position (GRCh38, 1-based): chr20:46,613,545, T>A on the plus strand (A>T on the coding strand, the complement: SLC13A3 is on the minus strand). VCF-style: chr20-46613545-T-A. GRCh37 (hg19) VCF-style: chr20-45242184-T-A.
Other names: c.151A>T, p.Ile51Phe (NM_001011554.3, NM_001193340.2); c.292A>T, p.Ile98Phe (NM_001193339.2); c.-3A>T (NM_001193342.2); short protein forms I51F, I98F.
Identifiers: ClinVar variation 64448 (VCV000064448.10), dbSNP rs201443231, ClinGen allele CA216165.

ClinVar aggregate classification (germline): Benign. Review status: criteria provided, single submitter (1 of 4 stars). 2 submissions from 2 submitters: Benign (1). 1 of the submissions does not count toward it. Last evaluated 2025-11-25.

Allele frequency attached by ClinVar (database versions not stated): gnomAD 0.00013; ESP Exome Variant Server 0.00023; TOPMed 0.00025; 1000 Genomes Project 30x 0.00031; ExAC 0.00035; 1000 Genomes Project 0.00040; gnomAD exomes 0.00053.
gnomAD v4.1: 514 of 1,614,030 alleles (0.032%); highest among the groups gnomAD compares: South Asian, 0.037%; 2 homozygotes.

Submissions (2):

Labcorp Genetics (formerly Invitae), Labcorp
Classification: Benign. Last evaluated: 2025-11-25. Review status: criteria provided, single submitter. Criteria: Invitae Variant Classification Sherloc (09022015). Collection method: clinical testing. Allele origin: germline.

Martin Pollak Laboratory,  Beth Israel Deaconess Medical Center
Classification: Uncertain significance. Review status: no assertion criteria provided. Collection method: not provided. Allele origin: unknown. Not counted in ClinVar's aggregate classification.
Comment: Lower UCa2+ group
ClinVar note: Converted during submission from unknown to Uncertain significance.